The following is an entry in ClinVar:

NM_001184900.3(CARD8):c.248G>A (p.Cys83Tyr)

Gene: CARD8 (caspase recruitment domain family member 8; minus strand). Cytogenetic location: 19q13.33.
Variant type: single nucleotide variant.
Coding change: c.248G>A on transcript NM_001184900.3 (MANE Select); coding-DNA position 248, G replaced by A.
Protein change: p.Cys83Tyr; replaces cysteine 83 with tyrosine.
Molecular consequence: missense variant. On other transcripts: 5 prime UTR variant (6), non-coding transcript variant (4).
Genome position (GRCh38, 1-based): chr19:48,234,505, C>T on the plus strand (G>A on the coding strand, the complement: CARD8 is on the minus strand). VCF-style: chr19-48234505-C-T. GRCh37 (hg19) VCF-style: chr19-48737762-C-T.
Other names: c.98G>A, p.Cys33Tyr (NM_001184901.1, NM_001351783.2, NM_001351788.2 and 2 more transcripts); c.248G>A, p.Cys83Tyr (NM_001184902.2, NM_001184903.1, NM_001351782.2); c.-27G>A (NM_001351784.2, NM_001351787.2, NM_001351791.2 and 2 more transcripts); c.-241G>A (NM_001351786.2); c.46G>A, p.Val16Met (NM_001351790.2); c.-534G>A (NM_001426741.1); short protein forms C83Y, C33Y, V16M.
Identifiers: ClinVar variation 2834866 (VCV002834866.3), dbSNP rs1296421566, ClinGen allele CA406647067.
Genomic context (GRCh38, chr19:48,234,505, plus strand): 5'-CGGAACAATAATGGCTCTGCCTCTGTCTCATCATCTTCTTGGAAAAAATGTGAGATGTCA[C>T]AAAGGGTCTCAGAAACACAGGGTAGCTCCCTGTATACCCTGGAAAACAACAACAGAATTT-3'
Protein context (NP_001171829.1, residues 73-93): RELPCVSETL[Cys83Tyr]DISHFFQEDD

ClinVar aggregate classification (germline): Uncertain significance (1 of 4 stars; one submission).

Allele frequency attached by ClinVar (database versions not stated): gnomAD 0.00001; gnomAD exomes 0.00001; TOPMed 0.00001.
gnomAD v4.1: 11 of 1,613,698 alleles (0.00068%); highest among the groups gnomAD compares: Non-Finnish European, 0.00085%; no homozygotes.

Submission:

Labcorp Genetics (formerly Invitae), Labcorp
Classification: Uncertain significance. Last evaluated: 2023-08-05. Review status: criteria provided, single submitter. Criteria: Invitae Variant Classification Sherloc (09022015). Collection method: clinical testing. Allele origin: germline.
Comment: Algorithms developed to predict the effect of missense changes on protein structure and function output the following: SIFT: "Not Available"; PolyPhen-2: "Benign"; Align-GVGD: "Not Available". The tyrosine amino acid residue is found in multiple mammalian species, which suggests that this missense change does not adversely affect protein function. In summary, the available evidence is currently insufficient to determine the role of this variant in disease. Therefore, it has been classified as a Variant of Uncertain Significance. This variant has not been reported in the literature in individuals affected with CARD8-related conditions. This sequence change replaces cysteine, which is neutral and slightly polar, with tyrosine, which is neutral and polar, at codon 33 of the CARD8 protein (p.Cys33Tyr). This variant is not present in population databases (gnomAD no frequency).